The following is an entry in ClinVar:

ClinVar aggregate classification (germline): Uncertain significance (1 of 4 stars; one submission).

Submission:

GeneDx
Classification: Uncertain significance. Last evaluated: 2019-08-02. Review status: criteria provided, single submitter. Criteria: GeneDx Variant Classification Process June 2021. Collection method: clinical testing. Allele origin: germline. Affected: yes.
Comment: Has not been previously published as pathogenic or benign to our knowledge; Not observed in large population cohorts (Lek et al., 2016); In silico analysis, which includes protein predictors and evolutionary conservation, supports a deleterious effect

NM_005477.3(HCN4):c.927C>G (p.Asp309Glu)

Genes: HCN4 (hyperpolarization activated cyclic nucleotide gated potassium channel 4; minus strand), LOC105370890 (uncharacterized LOC105370890; plus strand), LOC126862173 (CDK7 strongly-dependent group 2 enhancer GRCh37_chr15:73635762-73636961; plus strand). Cytogenetic location: 15q24.1.
Variant type: single nucleotide variant.
Coding change: c.927C>G on transcript NM_005477.3 (MANE Select); coding-DNA position 927, C replaced by G.
Protein change: p.Asp309Glu; replaces aspartic acid 309 with glutamic acid.
Molecular consequence: missense variant.
Genome position (GRCh38, 1-based): chr15:73,343,667, G>C on the plus strand (C>G on the coding strand, the complement: HCN4 is on the minus strand). VCF-style: chr15-73343667-G-C. GRCh37 (hg19) VCF-style: chr15-73636008-G-C.
Other names: short protein forms D309E.
Identifiers: ClinVar variation 1307595 (VCV001307595.2), dbSNP rs2151221234, ClinGen allele CA393095232.
Genomic context (GRCh38, chr15:73,343,667, plus strand): 5'-GTCCAGGATGATCTCTGTGTTGTCCTCCACCACGATCCCTGTGCGGAAGTTGAGGACCAA[G>C]TCGATGAGGAAGAATGTGTCTGACACCACATTGAAGACAATCCAGGGTGTGGTGTTCTCA-3'
Protein context (NP_005468.1, residues 299-319): NVVSDTFFLI[Asp309Glu]LVLNFRTGIV